The following is an entry in ClinVar:

NM_024529.5(CDC73):c.1550C>T (p.Thr517Ile)

Gene: CDC73 (cell division cycle 73; plus strand). Cytogenetic location: 1q31.2.
Variant type: single nucleotide variant.
Coding change: c.1550C>T on transcript NM_024529.5 (MANE Select); coding-DNA position 1550, C replaced by T.
Protein change: p.Thr517Ile; replaces threonine 517 with isoleucine.
Molecular consequence: missense variant.
Genome position (GRCh38, 1-based): chr1:193,249,862, C>T. VCF-style: chr1-193249862-C-T. GRCh37 (hg19) VCF-style: chr1-193218992-C-T.
Other names: short protein forms T517I.
Identifiers: ClinVar variation 1035356 (VCV001035356.12), dbSNP rs1678017409, ClinGen allele CA344078643.

ClinVar aggregate classification (germline): Uncertain significance. Review status: criteria provided, multiple submitters, no conflicts (2 of 4 stars). 2 submissions from 2 submitters: Uncertain significance (2). Last evaluated 2024-08-12.

Conditions:
Hereditary cancer-predisposing syndrome. Also called: Hereditary neoplastic syndrome; Neoplastic Syndromes, Hereditary; Tumor predisposition; Hereditary Cancer Syndrome. Identifiers: Orphanet 140162, MedGen C0027672, MeSH D009386, MONDO:0015356.
Parathyroid carcinoma (PRTC). Also called: Parathyroid gland carcinoma; CDC73-Related Parathyroid Carcinoma. Identifiers: Orphanet 143, MedGen C0687150, MONDO:0012004, OMIM 608266, HP:0006780.

Allele frequency attached by ClinVar (database versions not stated): gnomAD exomes below 0.00001.
gnomAD v4.1: 3 of 1,612,346 alleles (0.00019%); highest among the groups gnomAD compares: Non-Finnish European, 0.00025%; no homozygotes.

Submissions (2):

Ambry Genetics
Classification: Uncertain significance for Hereditary cancer-predisposing syndrome. Last evaluated: 2024-08-12. Review status: criteria provided, single submitter. Criteria: Ambry Variant Classification Scheme 2023. Collection method: clinical testing. Allele origin: germline.
Comment: The p.T517I variant (also known as c.1550C>T), located in coding exon 16 of the CDC73 gene, results from a C to T substitution at nucleotide position 1550. The threonine at codon 517 is replaced by isoleucine, an amino acid with similar properties. This amino acid position is conserved. In addition, the in silico prediction for this alteration is inconclusive. Since supporting evidence is limited at this time, the clinical significance of this alteration remains unclear.

Labcorp Genetics (formerly Invitae), Labcorp
Classification: Uncertain significance for Parathyroid carcinoma. Last evaluated: 2024-02-19. Review status: criteria provided, single submitter. Criteria: Invitae Variant Classification Sherloc (09022015). Collection method: clinical testing. Allele origin: germline.
Comment: This sequence change replaces threonine, which is neutral and polar, with isoleucine, which is neutral and non-polar, at codon 517 of the CDC73 protein (p.Thr517Ile). This variant is not present in population databases (gnomAD no frequency). This variant has not been reported in the literature in individuals affected with CDC73-related conditions. ClinVar contains an entry for this variant (Variation ID: 1035356). Advanced modeling of protein sequence and biophysical properties (such as structural, functional, and spatial information, amino acid conservation, physicochemical variation, residue mobility, and thermodynamic stability) performed at Invitae indicates that this missense variant is not expected to disrupt CDC73 protein function with a negative predictive value of 80%. In summary, the available evidence is currently insufficient to determine the role of this variant in disease. Therefore, it has been classified as a Variant of Uncertain Significance.